The following is an entry in ClinVar:

NM_000116.5(TAFAZZIN):c.460+1G>A

Gene: TAFAZZIN (tafazzin, phospholipid-lysophospholipid transacylase; plus strand). Cytogenetic location: Xq28.
Variant type: single nucleotide variant.
Coding change: c.460+1G>A on transcript NM_000116.5 (MANE Select); the canonical splice donor site of the intron after coding-DNA position 460, G replaced by A.
Molecular consequence: splice donor variant. On other transcripts: intron variant (3).
Genome position (GRCh38, 1-based): chrX:154,414,191, G>A. VCF-style: chrX-154414191-G-A. GRCh37 (hg19) VCF-style: chrX-153642528-G-A.
Other names: c.514+1G>A (NM_001303465.2); c.424+624G>A (NM_001410698.1); c.460+1G>A (NM_181312.4); c.370+624G>A (NM_181311.4, NM_181313.4).
Identifiers: ClinVar variation 237010 (VCV000237010.8), dbSNP rs878853655, ClinGen allele CA10583939.

ClinVar aggregate classification (germline): Uncertain significance. Review status: criteria provided, multiple submitters, no conflicts (2 of 4 stars). 3 submissions from 3 submitters: Uncertain significance (3). Last evaluated 2023-08-17.

Conditions:
Cardiovascular phenotype. Identifiers: MedGen CN230736.
3-Methylglutaconic aciduria type 2 (BTHS). Also called: CARDIOSKELETAL MYOPATHY WITH NEUTROPENIA AND ABNORMAL MITOCHONDRIA; Barth syndrome. Identifiers: Orphanet 111, MedGen C0574083, MONDO:0010543, OMIM 302060.

Allele frequency attached by ClinVar (database versions not stated): TOPMed below 0.00001; gnomAD exomes 0.00001.

Submissions (3):

Labcorp Genetics (formerly Invitae), Labcorp
Classification: Uncertain significance for 3-Methylglutaconic aciduria type 2. Last evaluated: 2023-08-17. Review status: criteria provided, single submitter. Criteria: Invitae Variant Classification Sherloc (09022015). Collection method: clinical testing. Allele origin: germline.
Comment: Algorithms developed to predict the effect of sequence changes on RNA splicing suggest that this variant may disrupt the consensus splice site. ClinVar contains an entry for this variant (Variation ID: 237010). This variant has not been reported in the literature in individuals affected with TAZ-related conditions. In summary, the available evidence is currently insufficient to determine the role of this variant in disease. Therefore, it has been classified as a Variant of Uncertain Significance. This sequence change creates a premature translational stop signal (Splice donor) in the TAZ gene. Alternative splicing of the TAZ gene results in a functional isoform lacking exon 5 (delta5) in multiple human tissues (PMID: 19619503, 24342716, 12930833, 19700766). Therefore, the functional significance of variants in exon 5 is currently unknown. This variant is not present in population databases (gnomAD no frequency).

Ambry Genetics
Classification: Uncertain significance for Cardiovascular phenotype. Last evaluated: 2021-02-08. Review status: criteria provided, single submitter. Criteria: Ambry Variant Classification Scheme 2023. Collection method: clinical testing. Allele origin: germline.
Comment: The c.460+1G>A intronic variant results from a G to A substitution one nucleotide after coding exon 5 of the TAZ gene. The resulting transcript is predicted to be in-frame and is not expected to trigger nonsense-mediated mRNAdecay; however, direct evidence is unavailable. This nucleotide position is highly conserved in available vertebrate species. In silico splice site analysis predicts that this alteration may weaken the native splice donor site and will result in the creation or strengthening of a novel splice donor site. The exact functional effect of the missing amino acids is unknown. Based on data from gnomAD, the A allele has an overall frequency of 0.00056% (1/177828) total alleles studied. The highest observed frequency was 0.00783% (1/12760) of African/African-American alleles. Since supporting evidence is limited at this time, the clinical significance of this alteration remains unclear.

GeneDx
Classification: Uncertain significance. Last evaluated: 2018-05-14. Review status: criteria provided, single submitter. Criteria: GeneDx Variant Classification (06012015). Collection method: clinical testing. Allele origin: germline. Affected: yes.
Comment: The c.460+1G>A variant in the TAZ gene has not been reported previously as a pathogenic variant nor as a benign variant, to our knowledge. This splice site variant destroys the canonical splice donor site in intron 5. It is predicted to cause abnormal gene splicing, resulting in an in frame protein product. However, in the absence of RNA/functional studies, the actual effect of the c.460+1G>A variant is unknown, and exon 5 is known to be lacking from transcripts used in many tissues (Houtkooper et al., 2009). The c.460+1G>A variant is not observed in large population cohorts (Lek et al., 2016). We interpret c.460+1G>A as a variant of uncertain significance.

Literature cited by the submitters: PubMed 19619503 (cited by Labcorp Genetics (formerly Invitae), Labcorp); PubMed 24342716 (cited by Labcorp Genetics (formerly Invitae), Labcorp); PubMed 12930833 (cited by Labcorp Genetics (formerly Invitae), Labcorp); PubMed 19700766 (cited by Labcorp Genetics (formerly Invitae), Labcorp).